The following is an entry in ClinVar:

NM_000202.8(IDS):c.455G>A (p.Ser152Asn)

Genes: IDS (iduronate 2-sulfatase; minus strand), LOC106050102 (IDS recombination region; plus strand). Cytogenetic location: Xq28.
Variant type: single nucleotide variant.
Coding change: c.455G>A on transcript NM_000202.8 (MANE Select); coding-DNA position 455, G replaced by A.
Protein change: p.Ser152Asn; replaces serine 152 with asparagine.
Molecular consequence: missense variant. On other transcripts: non-coding transcript variant (1).
Genome position (GRCh38, 1-based): chrX:149,501,001, C>T on the plus strand (G>A on the coding strand, the complement: IDS is on the minus strand). VCF-style: chrX-149501001-C-T. GRCh37 (hg19) VCF-style: chrX-148582532-C-T.
Other names: c.185G>A, p.Ser62Asn (NM_001166550.4); c.455G>A, p.Ser152Asn (NM_006123.5); short protein forms S152N, S62N.
Identifiers: ClinVar variation 996749 (VCV000996749.3), dbSNP rs193302914, ClinGen allele CA414523145.

ClinVar aggregate classification (germline): Likely pathogenic. Review status: criteria provided, multiple submitters, no conflicts (2 of 4 stars). 2 submissions from 2 submitters: Likely pathogenic (2). Last evaluated 2024-06-07.

Conditions:
Mucopolysaccharidosis, MPS-II (MPS2). Also called: Mucopolysaccharidosis type 2; Hunter Syndrome; IDURONATE 2-SULFATASE DEFICIENCY; Mucopolysaccharidosis Type II; IDS deficiency; Sulfoiduronate sulfatase deficiency. Identifiers: Orphanet 580, Orphanet 79388, MedGen C0026705, MONDO:0010674, OMIM 309900.

Submissions (2):

Laboratory of Diagnosis and Therapy of Lysosomal Disorders, University of Padova
Classification: Likely pathogenic for Mucopolysaccharidosis, MPS-II. Last evaluated: 2024-06-07. Review status: criteria provided, single submitter. Criteria: ACMG Guidelines, 2015. Collection method: literature only. Allele origin: germline. Affected: yes. Observed: 2 variant alleles.
Comment: Absent from controls (or at low frequency) in gnomAD database (PM2_Moderate), Missense change at the same amino acid residue as a pathogenic variant (PM5_Moderate), Missense variant in a gene with a low rate of benign missense variation (PP2_Supporting), Multiple lines of computational evidence support a deleterious effect (PP3_Supporting), Patient’s phenotype or family history highly specific for the disease (PP4_Moderate)

Classification method: ACMG Guidelines [PMID:25741868] with modifications

Department of Medical Genetics, Sanjay Gandhi Post Graduate Institute of Medical Sciences
Classification: Likely pathogenic for Mucopolysaccharidosis, MPS-II. Review status: criteria provided, single submitter. Criteria: ACMG Guidelines, 2015. Collection method: clinical testing. Allele origin: de novo. Inheritance: X-linked recessive inheritance. Affected: yes. Observed: 1 variant allele, 1 hemizygote.

Literature cited by the submitters: PubMed 35144014 (cited by Laboratory of Diagnosis and Therapy of Lysosomal Disorders, University of Padova); PubMed 33960103 (cited by Laboratory of Diagnosis and Therapy of Lysosomal Disorders, University of Padova).